The following is an entry in ClinVar:

ClinVar aggregate classification (germline): Uncertain significance (1 of 4 stars; one submission).

Submission:

CeGaT Center for Human Genetics Tuebingen
Classification: Uncertain significance. Last evaluated: 2022-06-01. Review status: criteria provided, single submitter. Criteria: CeGaT Center For Human Genetics Tuebingen Variant Classification Criteria Version 2. Collection method: clinical testing. Allele origin: germline. Affected: yes. Observed: 1 variant allele.
Comment: SHROOM4: PM2

NM_020717.5(SHROOM4):c.3372_3374dup (p.Gln1128_Lys1129insGln)

Gene: SHROOM4 (shroom family member 4; minus strand). Cytogenetic location: Xp11.22.
Variant type: Duplication.
Coding change: c.3372_3374dup on transcript NM_020717.5 (MANE Select); coding-DNA positions 3372 to 3374, 3 bases duplicated (ACA; older notation c.3372_3374dupACA).
Protein change: p.Gln1128_Lys1129insGln.
Molecular consequence: inframe insertion. On other transcripts: non-coding transcript variant (4).
Genome position (GRCh38, 1-based): chrX:50,607,768-50,607,770, TGT duplicated on the plus strand (ACA on the coding strand, the reverse complement: SHROOM4 is on the minus strand); duplicating any 3 consecutive bases within chrX:50,607,768-50,607,772 gives the same sequence; the c. name uses the placement nearest the transcript's 3' end. VCF-style (leftmost placement, unchanged base first): chrX-50607767-C-CTGT. GRCh37 (hg19) VCF-style: chrX-50350767-C-CTGT.
Identifiers: ClinVar variation 1695300 (VCV001695300.31), dbSNP rs782409719, ClinGen allele CA10415987.
Genomic context (GRCh38, chrX:50,607,767, plus strand): 5'-CTCTTCCTCTTCTTCTTCTTCTTCCTCCTCCTCCTCCTCCTCCTGTTGCTTCTGCTGCTG[C>CTGT]TGTTGCTGCTTCTGCTGCTGGGCTGCACGAAAGAGCCTGTACTTCTCCCAGTTGGGAGGA-3'